The following is an entry in ClinVar:

NM_033305.3(VPS13A):c.1195_1198del (p.Ile398_Thr399insTer)

Gene: VPS13A (vacuolar protein sorting 13 homolog A; plus strand). Cytogenetic location: 9q21.2.
Variant type: Deletion.
Coding change: c.1195_1198del on transcript NM_033305.3 (MANE Select); coding-DNA positions 1195 to 1198, 4 bases deleted (ACTA; older notation c.1195_1198delACTA).
Protein change: p.Ile398_Thr399insTer.
Molecular consequence: nonsense.
Genome position (GRCh38, 1-based): chr9:77,225,959-77,225,962, ACTA deleted; deleting any 4 consecutive bases within chr9:77,225,957-77,225,962 gives the same sequence; the c. name uses the placement nearest the transcript's 3' end. VCF-style (leftmost placement, unchanged base first): chr9-77225956-ATAAC-A. GRCh37 (hg19) VCF-style: chr9-79840872-ATAAC-A.
Other names: c.1195_1198del, p.Ile398_Thr399insTer (NM_001018037.2, NM_001018038.3, NM_015186.4); c.1195_1198delACTA (NM_033305.3).
Identifiers: ClinVar variation 3374943 (VCV003374943.1).
Genomic context (GRCh38, chr9:77,225,956, plus strand): 5'-AGTTAACACATTTTTGTTTATATTTTTCAGGAGTTGGAAAAAACCTTGGATGTCTTTAAT[ATAAC>A]TATAGCTAGACAGACGGCAGAAGTTGAGGTAATTCTTGGCTTTTCAATTAGTAAAAATAA-3'

ClinVar aggregate classification (germline): Pathogenic (1 of 4 stars; one submission).

Conditions:
VPS13A-related neurodegenerative disease. Also called: LEVINE-CRITCHLEY SYNDROME; Choreoacanthocytosis; Chorea-acanthocytosis; ACANTHOCYTOSIS WITH NEUROLOGIC DISORDER; VPS13A Disease; Choreaacanthocytosis. Identifiers: Orphanet 2388, MedGen C0393576, MONDO:0008695, OMIM 200150.

Submission:

Women's Health and Genetics/Laboratory Corporation of America, LabCorp
Classification: Pathogenic for VPS13A-related neurodegenerative disease. Last evaluated: 2024-09-10. Review status: criteria provided, single submitter. Criteria: LabCorp Variant Classification Summary - May 2015. Collection method: clinical testing. Allele origin: germline.
Comment: Variant summary: VPS13A c.1195_1198delACTA (p.Thr399X) results in a premature termination codon, predicted to cause a truncation of the encoded protein or absence of the protein due to nonsense mediated decay, which are commonly known mechanisms for disease. The variant was absent in 249584 control chromosomes. To our knowledge, no occurrence of c.1195_1198delACTA in individuals affected with Choreoacanthocytosis and no experimental evidence demonstrating its impact on protein function have been reported. Loss of function variants in VPS13A have been reported as an established mechanism of disease. No submitters have cited clinical-significance assessments for this variant to ClinVar. Based on the evidence outlined above, the variant was classified as pathogenic.